The following is an entry in ClinVar:

NM_002454.3(MTRR):c.1219A>T (p.Lys407Ter)

Gene: MTRR (5-methyltetrahydrofolate-homocysteine methyltransferase reductase; plus strand). Cytogenetic location: 5p15.31.
Variant type: single nucleotide variant.
Coding change: c.1219A>T on transcript NM_002454.3 (MANE Select); coding-DNA position 1219, A replaced by T.
Protein change: p.Lys407Ter; replaces lysine 407 with a stop codon.
Molecular consequence: nonsense. On other transcripts: non-coding transcript variant (14).
Genome position (GRCh38, 1-based): chr5:7,889,167, A>T. VCF-style: chr5-7889167-A-T. GRCh37 (hg19) VCF-style: chr5-7889280-A-T.
Other names: c.1219A>T, p.Lys407Ter (NM_001364440.2, NM_001364441.2, NM_001364442.2 and 1 more transcripts); short protein forms K407*.
Identifiers: ClinVar variation 2701122 (VCV002701122.3), dbSNP rs2479023142, ClinGen allele CA359158440.

ClinVar aggregate classification (germline): Pathogenic (1 of 4 stars; one submission).

Conditions:
Methylcobalamin deficiency type cblE (HMAE). Also called: VITAMIN B12-RESPONSIVE HOMOCYSTINURIA, cblE TYPE; HOMOCYSTINURIA-MEGALOBLASTIC ANEMIA, cblE TYPE; HOMOCYSTINURIA-MEGALOBLASTIC ANEMIA, cblE COMPLEMENTATION TYPE. Identifiers: Orphanet 2169, Orphanet 622, MedGen C1856057, MONDO:0009354, OMIM 236270.

Submission:

Labcorp Genetics (formerly Invitae), Labcorp
Classification: Pathogenic for Methylcobalamin deficiency type cblE. Last evaluated: 2023-12-05. Review status: criteria provided, single submitter. Criteria: Invitae Variant Classification Sherloc (09022015). Collection method: clinical testing. Allele origin: germline.
Comment: This sequence change creates a premature translational stop signal (p.Lys407*) in the MTRR gene. It is expected to result in an absent or disrupted protein product. Loss-of-function variants in MTRR are known to be pathogenic (PMID: 15714522). This variant is not present in population databases (gnomAD no frequency). This variant has not been reported in the literature in individuals affected with MTRR-related conditions. For these reasons, this variant has been classified as Pathogenic.

Literature cited by the submitters: PubMed 15714522.